The following is an entry in ClinVar:

NM_003072.5(SMARCA4):c.2001+5G>A

Gene: SMARCA4 (SWI/SNF related BAF chromatin remodeling complex subunit ATPase 4; plus strand). Cytogenetic location: 19p13.2.
Variant type: single nucleotide variant.
Coding change: c.2001+5G>A on transcript NM_003072.5 (MANE Select); 5 bases into the intron after coding-DNA position 2001, G replaced by A.
Molecular consequence: intron variant.
Genome position (GRCh38, 1-based): chr19:11,003,402, G>A. VCF-style: chr19-11003402-G-A. GRCh37 (hg19) VCF-style: chr19-11114078-G-A.
Other names: c.2001+5G>A (NM_001128844.3, NM_001128849.3, NM_001128847.4 and 5 more transcripts).
Identifiers: ClinVar variation 480555 (VCV000480555.15), dbSNP rs780996751, ClinGen allele CA658656777.

ClinVar aggregate classification (germline): Conflicting classifications of pathogenicity. Review status: criteria provided, conflicting classifications (1 of 4 stars). 4 submissions from 4 submitters: Uncertain significance (2); Likely benign (2). Last evaluated 2026-01-05.

Conditions:
Hereditary cancer-predisposing syndrome. Also called: Hereditary Cancer Syndrome; Neoplastic Syndromes, Hereditary; Tumor predisposition; Hereditary neoplastic syndrome. Identifiers: Orphanet 140162, MedGen C0027672, MeSH D009386, MONDO:0015356.
Intellectual disability, autosomal dominant 16 (CSS4). Also called: COFFIN-SIRIS SYNDROME 4. Identifiers: Orphanet 1465, MedGen C3553249, MONDO:0013821, OMIM 614609.
Rhabdoid tumor predisposition syndrome 2 (RTPS2). Identifiers: Orphanet 231108, Orphanet 69077, MedGen C2750074, MONDO:0013224, OMIM 613325.

Allele frequency attached by ClinVar (database versions not stated): gnomAD 0.00001; TOPMed 0.00001.
gnomAD v4.1: 17 of 1,613,124 alleles (0.0011%); highest among the groups gnomAD compares: Non-Finnish European, 0.0014%; no homozygotes.

Submissions (4):

Labcorp Genetics (formerly Invitae), Labcorp
Classification: Likely benign for Rhabdoid tumor predisposition syndrome 2. Last evaluated: 2026-01-05. Review status: criteria provided, single submitter. Criteria: Invitae Variant Classification Sherloc (09022015). Collection method: clinical testing. Allele origin: germline.

Quest Diagnostics Nichols Institute San Juan Capistrano
Classification: Uncertain significance. Last evaluated: 2024-03-19. Review status: criteria provided, single submitter. Criteria: Quest Diagnostics criteria. Collection method: clinical testing. Allele origin: unknown.
Comment: The SMARCA4 c.2001+5G>A variant has not been reported in individuals with SMARCA4-related conditions in the published literature. The frequency of this variant in the general population, 0.000015 (1/68040 chromosomes (Genome Aggregation Database)), is uninformative in the assessment of its pathogenicity. Analysis of this variant using software algorithms for the prediction of the effect of nucleotide changes on splicing yielded predictions that this variant may affect proper SMARCA4 mRNA splicing. Based on the available information, we are unable to determine the clinical significance of this variant.

Genome-Nilou Lab
Classification: Uncertain significance for Intellectual disability, autosomal dominant 16. Last evaluated: 2021-07-15. Review status: criteria provided, single submitter. Criteria: ACMG Guidelines, 2015. Collection method: clinical testing. Allele origin: germline. Affected: no.

Ambry Genetics
Classification: Likely benign for Hereditary cancer-predisposing syndrome. Last evaluated: 2019-05-29. Review status: criteria provided, single submitter. Criteria: Ambry Variant Classification Scheme 2023. Collection method: clinical testing. Allele origin: germline.